The following is an entry in ClinVar:

ClinVar aggregate classification (germline): Pathogenic. Review status: criteria provided, multiple submitters, no conflicts (2 of 4 stars). 5 submissions from 5 submitters: Pathogenic (5). Last evaluated 2025-02-19.

Conditions:
Actin accumulation myopathy (CMYO2A). Also called: CONGENITAL MYOPATHY 2A, TYPICAL, AUTOSOMAL DOMINANT; Nemaline myopathy type 3; Myopathy, actin, congenital, with excess of thin myofilaments; Myopathy, actin, congenital, with cores; Nemaline myopathy 3, with intranuclear rods. Identifiers: Orphanet 98904, MedGen C3711389, MONDO:0008070, OMIM 161800.
Fetal akinesia deformation sequence 1 (FADS1). Also called: Fetal akinesia sequence; Pena-Shokeir syndrome type I. Identifiers: Orphanet 994, MedGen C1276035, MONDO:0100101, OMIM 208150, HP:0001989.
Arthrogryposis multiplex congenita (AMC). Also called: Congenital multiple arthrogryposis; Fibrous ankylosis of multiple joints; Congenital arthromyodysplasia; Myodystrophia fetalis deformans; Otto syndrome; Rocher-Sheldon syndrome. Identifiers: Orphanet 1037, MedGen C5779613, MeSH D001176, MONDO:0015168, HP:0002804.
Congenital myopathy 2c, severe infantile, autosomal dominant (CMYO2C). Identifiers: MedGen C5830333, MONDO:0859523, OMIM 620278.

Allele frequency attached by ClinVar (database versions not stated): gnomAD exomes below 0.00001.
gnomAD v4.1: 1 of 1,612,550 alleles (0.000062%); highest among the groups gnomAD compares: Non-Finnish European, 0.000085%; no homozygotes.

Submissions (5):

GeneDx
Classification: Pathogenic. Last evaluated: 2025-02-19. Review status: criteria provided, single submitter. Criteria: GeneDx Variant Classification Process June 2021. Collection method: clinical testing. Allele origin: germline. Affected: yes.
Comment: Identified in patients with features of ACTA1-related actinopathy in published literature and referred for genetic testing at GeneDx, including as a de novo variant with or without confirmed parentage (PMID: 31680123, 19562689); Missense variants in this gene are a common cause of disease and they are underrepresented in the general population; In silico analysis supports that this missense variant has a deleterious effect on protein structure/function; Not observed at significant frequency in large population cohorts (gnomAD); This variant is associated with the following publications: (PMID: 19562689, 31680123)

Department of Genetics, Rouen University Hospital, Normandy Center for Genomic and Personalized Medicine
Classification: Pathogenic for Congenital myopathy 2c, severe infantile, autosomal dominant. Last evaluated: 2024-07-04. Review status: criteria provided, single submitter. Criteria: ACMG Guidelines, 2015. Collection method: clinical testing. Allele origin: de novo. Affected: yes.

Labcorp Genetics (formerly Invitae), Labcorp
Classification: Pathogenic for Actin accumulation myopathy. Last evaluated: 2023-06-27. Review status: criteria provided, single submitter. Criteria: Invitae Variant Classification Sherloc (09022015). Collection method: clinical testing. Allele origin: germline.
Comment: For these reasons, this variant has been classified as Pathogenic. Advanced modeling of protein sequence and biophysical properties (such as structural, functional, and spatial information, amino acid conservation, physicochemical variation, residue mobility, and thermodynamic stability) has been performed at Invitae for this missense variant, however the output from this modeling did not meet the statistical confidence thresholds required to predict the impact of this variant on ACTA1 protein function. ClinVar contains an entry for this variant (Variation ID: 692271). This missense change has been observed in individual(s) with clinical features of autosomal dominant ACTA1-related conditions (PMID: 19562689, 31680123; Invitae). In at least one individual the variant was observed to be de novo. This variant is not present in population databases (gnomAD no frequency). This sequence change replaces glycine, which is neutral and non-polar, with arginine, which is basic and polar, at codon 247 of the ACTA1 protein (p.Gly247Arg).

Cirak Lab, University Hospital Cologne
Classification: Pathogenic for Arthrogryposis multiplex congenita; Fetal akinesia sequence. Last evaluated: 2019-06-28. Review status: criteria provided, single submitter. Criteria: ACMG Guidelines, 2015. Collection method: research. Allele origin: de novo. Affected: yes. Observed: 1 variant allele.

Juno Genomics, Hangzhou Juno Genomics, Inc
Classification: Pathogenic for Actin accumulation myopathy. Review status: criteria provided, single submitter. Criteria: ACMG Guidelines, 2015. Collection method: clinical testing. Allele origin: germline. Affected: yes.
Comment: Absent from controls (or at extremely low frequency if recessive) in Genome Aggregation Database.;Same amino acid change as a previously established pathogenic variant regardless of nucleotide change.;Missense variant in a gene that has a low rate of benign missense variation.;Multiple lines of computational evidence support a deleterious effect on the gene or gene product.;The prevalence of the variant in affected individuals is significantly increased compared to the prevalence in controls.;De novo (both maternity and paternity confirmed) in a patient with the disease and no family history.;Patient's phenotype or family history is highly specific for a disease with a single genetic etiology.

Literature cited by the submitters: PubMed 19562689 (cited by Labcorp Genetics (formerly Invitae), Labcorp); PubMed 31680123 (cited by Labcorp Genetics (formerly Invitae), Labcorp and Cirak Lab, University Hospital Cologne).

NM_001100.4(ACTA1):c.739G>A (p.Gly247Arg)

Gene: ACTA1 (actin alpha 1, skeletal muscle; minus strand). Cytogenetic location: 1q42.13.
Variant type: single nucleotide variant.
Coding change: c.739G>A on transcript NM_001100.4 (MANE Select); coding-DNA position 739, G replaced by A.
Protein change: p.Gly247Arg; replaces glycine 247 with arginine.
Molecular consequence: missense variant.
Genome position (GRCh38, 1-based): chr1:229,432,063, C>T on the plus strand (G>A on the coding strand, the complement: ACTA1 is on the minus strand). VCF-style: chr1-229432063-C-T. GRCh37 (hg19) VCF-style: chr1-229567810-C-T.
Other names: short protein forms G247R.
Identifiers: ClinVar variation 692271 (VCV000692271.9), dbSNP rs1057521117, ClinGen allele CA345146753.
Genomic context (GRCh38, chr1:229,432,063, plus strand): 5'-AGGGCTGGAAGAGCGTCTCCGGGCAGCGGAAGCGCTCGTTGCCGATGGTGATGACCTGCC[C>T]GTCTGGCAGCTCGTAGCTCTTTTCCAGGGAGGAGGAGGAGGCGGCCGTCGCCATCTCGTT-3'
Protein context (NP_001091.1, residues 237-257): SLEKSYELPD[Gly247Arg]QVITIGNERF